The following is an entry in ClinVar:

ClinVar aggregate classification (germline): Uncertain significance (1 of 4 stars; one submission).

Submission:

Labcorp Genetics (formerly Invitae), Labcorp
Classification: Uncertain significance. Last evaluated: 2024-02-18. Review status: criteria provided, single submitter. Criteria: Invitae Variant Classification Sherloc (09022015). Collection method: clinical testing. Allele origin: germline.
Comment: This sequence change falls in intron 22 of the MYH7B gene. It does not directly change the encoded amino acid sequence of the MYH7B protein. It affects a nucleotide within the consensus splice site. This variant is not present in population databases (gnomAD no frequency). This variant has not been reported in the literature in individuals affected with MYH7B-related conditions. Variants that disrupt the consensus splice site are a relatively common cause of aberrant splicing (PMID: 17576681, 9536098). Algorithms developed to predict the effect of sequence changes on RNA splicing suggest that this variant is not likely to affect RNA splicing. In summary, the available evidence is currently insufficient to determine the role of this variant in disease. Therefore, it has been classified as a Variant of Uncertain Significance.

Literature cited by the submitters: PubMed 17576681; PubMed 9536098.

NM_020884.7(MYH7B):c.1977+6G>A

Gene: MYH7B (myosin heavy chain 7B; plus strand). Cytogenetic location: 20q11.22.
Variant type: single nucleotide variant.
Coding change: c.1977+6G>A on transcript NM_020884.7 (MANE Select); 6 bases into the intron after coding-DNA position 1977, G replaced by A.
Molecular consequence: intron variant.
Genome position (GRCh38, 1-based): chr20:34,990,316, G>A. VCF-style: chr20-34990316-G-A. GRCh37 (hg19) VCF-style: chr20-33578119-G-A.
Identifiers: ClinVar variation 3641895 (VCV003641895.2).